The following is an entry in ClinVar:

ClinVar aggregate classification (germline): Uncertain significance (1 of 4 stars; one submission).

Submission:

Labcorp Genetics (formerly Invitae), Labcorp
Classification: Uncertain significance. Last evaluated: 2022-10-14. Review status: criteria provided, single submitter. Criteria: Invitae Variant Classification Sherloc (09022015). Collection method: clinical testing. Allele origin: germline.
Comment: This sequence change falls in intron 4 of the ALPK1 gene. It does not directly change the encoded amino acid sequence of the ALPK1 protein. This variant is not present in population databases (gnomAD no frequency). This variant has not been reported in the literature in individuals affected with ALPK1-related conditions. Algorithms developed to predict the effect of sequence changes on RNA splicing suggest that this variant may disrupt the consensus splice site. In summary, the available evidence is currently insufficient to determine the role of this variant in disease. Therefore, it has been classified as a Variant of Uncertain Significance.

NM_025144.4(ALPK1):c.277-13G>C

Gene: ALPK1 (alpha kinase 1; plus strand). Cytogenetic location: 4q25.
Variant type: single nucleotide variant.
Coding change: c.277-13G>C on transcript NM_025144.4 (MANE Select); 13 bases into the intron before coding-DNA position 277, G replaced by C.
Molecular consequence: intron variant.
Genome position (GRCh38, 1-based): chr4:112,411,814, G>C. VCF-style: chr4-112411814-G-C. GRCh37 (hg19) VCF-style: chr4-113332970-G-C.
Other names: c.277-13G>C (NM_001102406.2); c.43-13G>C (NM_001253884.2).
Identifiers: ClinVar variation 2993488 (VCV002993488.3), dbSNP rs1436623345, ClinGen allele CA2578170133.
Genomic context (GRCh38, chr4:112,411,814, plus strand): 5'-TCCCACGCTAAGCCTGGCCCTCAGCCTGCCAGCGTTTCCGCCTGGCTCACGATGTTCCAC[G>C]CTGTTCCTCCAGGCGTCCCTGAGGGCCTCCATCCTCGCTCGGGACTGTGCGGCTGCGGCG-3'